The following is an entry in ClinVar:

ClinVar aggregate classification (germline): Uncertain significance (1 of 4 stars; one submission).

gnomAD v4.1: 2 of 1,613,494 alleles (0.00012%); highest among the groups gnomAD compares: Non-Finnish European, 0.00017%; no homozygotes.

Submission:

Labcorp Genetics (formerly Invitae), Labcorp
Classification: Uncertain significance. Last evaluated: 2024-10-01. Review status: criteria provided, single submitter. Criteria: Invitae Variant Classification Sherloc (09022015). Collection method: clinical testing. Allele origin: germline.
Comment: This sequence change replaces leucine, which is neutral and non-polar, with methionine, which is neutral and non-polar, at codon 39 of the FGF23 protein (p.Leu39Met). This variant is present in population databases (no rsID available, gnomAD 0.0009%). This variant has not been reported in the literature in individuals affected with FGF23-related conditions. Invitae Evidence Modeling of protein sequence and biophysical properties (such as structural, functional, and spatial information, amino acid conservation, physicochemical variation, residue mobility, and thermodynamic stability) has been performed for this missense variant. However, the output from this modeling did not meet the statistical confidence thresholds required to predict the impact of this variant on FGF23 protein function. In summary, the available evidence is currently insufficient to determine the role of this variant in disease. Therefore, it has been classified as a Variant of Uncertain Significance.

NM_020638.3(FGF23):c.115C>A (p.Leu39Met)

Gene: FGF23 (fibroblast growth factor 23; minus strand). Cytogenetic location: 12p13.32.
Variant type: single nucleotide variant.
Coding change: c.115C>A on transcript NM_020638.3 (MANE Select); coding-DNA position 115, C replaced by A.
Protein change: p.Leu39Met; replaces leucine 39 with methionine.
Molecular consequence: missense variant.
Genome position (GRCh38, 1-based): chr12:4,379,468, G>T on the plus strand (C>A on the coding strand, the complement: FGF23 is on the minus strand). VCF-style: chr12-4379468-G-T. GRCh37 (hg19) VCF-style: chr12-4488634-G-T.
Other names: short protein forms L39M.
Identifiers: ClinVar variation 3680586 (VCV003680586.2).